The following is an entry in ClinVar:

ClinVar aggregate classification (germline): Likely pathogenic. Review status: criteria provided, multiple submitters, no conflicts (2 of 4 stars). 2 submissions from 2 submitters: Likely pathogenic (2). Last evaluated 2025-10-09.

Conditions:
Autosomal recessive limb-girdle muscular dystrophy type 2J (LGMDR10). Also called: Limb-girdle muscular dystrophy, type 2J; MUSCULAR DYSTROPHY, LIMB-GIRDLE, AUTOSOMAL RECESSIVE 10. Identifiers: Orphanet 140922, MedGen C1837342, MONDO:0012127, OMIM 608807.
Dilated cardiomyopathy 1G (CMD1G). Identifiers: Orphanet 154, MedGen C1858763, MONDO:0011400, OMIM 604145.
Cardiovascular phenotype. Identifiers: MedGen CN230736.

Submissions (2):

Labcorp Genetics (formerly Invitae), Labcorp
Classification: Likely pathogenic for Dilated cardiomyopathy 1G; Autosomal recessive limb-girdle muscular dystrophy type 2J. Last evaluated: 2025-10-09. Review status: criteria provided, single submitter. Criteria: Invitae Variant Classification Sherloc (09022015). Collection method: clinical testing. Allele origin: germline.
Comment: This sequence change creates a premature translational stop signal (p.Pro32887Glnfs*8) in the TTN gene. While this is not anticipated to result in nonsense mediated decay, it is expected to create a truncated TTN protein. This variant is not present in population databases (gnomAD no frequency). This variant has not been reported in the literature in individuals affected with TTN-related conditions. ClinVar contains an entry for this variant (Variation ID: 535056). This variant is located in the A band of TTN (PMID: 25589632). Truncating variants in this region are significantly overrepresented in patients affected with dilated cardiomyopathy (PMID: 25589632). Truncating variants in this region have also been reported in individuals affected with autosomal recessive centronuclear myopathy (PMID: 23975875). In summary, the currently available evidence indicates that the variant is pathogenic, but additional data are needed to prove that conclusively. Therefore, this variant has been classified as Likely Pathogenic.

Ambry Genetics
Classification: Likely pathogenic for Cardiovascular phenotype. Last evaluated: 2025-03-20. Review status: criteria provided, single submitter. Criteria: Ambry Variant Classification Scheme 2023. Collection method: clinical testing. Allele origin: germline.
Comment: The c.71465delC variant, located in coding exon 179 of the TTN gene, results from a deletion of one nucleotide at nucleotide position 71465, causing a translational frameshift with a predicted alternate stop codon (p.P23822Qfs*8). This exon is located in the A-band region of the N2-B isoform of the titin protein and is constitutively expressed in TTN transcripts (percent spliced in or PSI 100%). This variant is expected to result in loss of function by premature protein truncation or nonsense-mediated mRNA decay. While truncating variants in TTN are present in 1-3% of the general population, truncating variants in the A-band are the most common cause of dilated cardiomyopathy (Herman DS et al. N. Engl. J. Med., 2012 Feb;366:619-28; Roberts AM et al. Sci Transl Med, 2015 Jan;7:270ra6). TTN truncating variants encoded in constitutive exons (PSI >90%) have been found to be significantly associated with DCM regardless of their position in titin (Schafer S et al. Nat. Genet., 2017 01;49:46-53; Akhtar MM et al. Circ Heart Fail, 2020 Oct;13:e006832; Massier M et al. Clin Genet, 2025 Jan). This variant is considered to be rare based on population cohorts in the Genome Aggregation Database (gnomAD). Based on the majority of available evidence to date, this variant is likely to be pathogenic.

Literature cited by the submitters: PubMed 25589632 (cited by Labcorp Genetics (formerly Invitae), Labcorp); PubMed 23975875 (cited by Labcorp Genetics (formerly Invitae), Labcorp).

NM_001267550.2(TTN):c.98660del (p.Pro32887fs)

Genes: TTN-AS1 (TTN antisense RNA 1; plus strand), TTN (titin; minus strand). Cytogenetic location: 2q31.2.
Variant type: Deletion.
Coding change: c.98660del on transcript NM_001267550.2 (MANE Select); coding-DNA position 98660, one base deleted (C; older notation c.98660delC).
Protein change: p.Pro32887fs; shifts the reading frame from proline 32887.
Molecular consequence: frameshift variant. On other transcripts: non-coding transcript variant (1).
Genome position (GRCh38, 1-based): chr2:178,539,405, G deleted on the plus strand (C on the coding strand, the reverse complement: TTN is on the minus strand); the first of 2 consecutive G bases (chr2:178,539,405-178,539,406); deleting either gives the same sequence. VCF-style (leftmost placement, unchanged base first): chr2-178539404-TG-T. GRCh37 (hg19) VCF-style: chr2-179404131-TG-T.
Other names: c.71465delC (NM_003319.4); c.98660delC (NM_001267550.2); c.93737del, p.Pro31246fs (NM_001256850.1); c.71465del, p.Pro23822fs (NM_003319.4); c.90956del, p.Pro30319fs (NM_133378.4); c.71840del, p.Pro23947fs (NM_133432.3); c.72041del, p.Pro24014fs (NM_133437.4); short protein forms P23822fs, P30319fs, P23947fs, P24014fs, P31246fs, P32887fs.
Identifiers: ClinVar variation 535056 (VCV000535056.10), dbSNP rs1553509300, ClinGen allele CA658795964.